The following is an entry in ClinVar:

ClinVar aggregate classification (germline): Uncertain significance (1 of 4 stars; one submission).

Conditions:
Inborn genetic diseases. Identifiers: MedGen C0950123, MeSH D030342.

Submission:

Ambry Genetics
Classification: Uncertain significance for Inborn genetic diseases. Last evaluated: 2026-08-10. Review status: criteria provided, single submitter. Criteria: Ambry Variant Classification Scheme 2023. Collection method: clinical testing. Allele origin: germline.
Comment: The p.I1490T variant (also known as c.4469T>C), located in coding exon 30 of the ANKRD26 gene, results from a T to C substitution at nucleotide position 4469. The isoleucine at codon 1490 is replaced by threonine, an amino acid with similar properties. This amino acid position is conserved. In addition, this alteration is predicted to be tolerated by in silico analysis. Based on the available evidence, the clinical significance of this variant remains unclear.

NM_014915.3(ANKRD26):c.4469T>C (p.Ile1490Thr)

Gene: ANKRD26 (ankyrin repeat domain 26; minus strand). Cytogenetic location: 10p12.1.
Variant type: single nucleotide variant.
Coding change: c.4469T>C on transcript NM_014915.3 (MANE Select); coding-DNA position 4469, T replaced by C.
Protein change: p.Ile1490Thr; replaces isoleucine 1490 with threonine.
Molecular consequence: missense variant.
Genome position (GRCh38, 1-based): chr10:27,017,539, A>G on the plus strand (T>C on the coding strand, the complement: ANKRD26 is on the minus strand). VCF-style: chr10-27017539-A-G. GRCh37 (hg19) VCF-style: chr10-27306468-A-G.
Other names: c.4466T>C, p.Ile1489Thr (NM_001256053.2); short protein forms I1490T, I1489T.
Identifiers: ClinVar variation 5023487 (VCV005023487.1).